The following is an entry in ClinVar:

NM_015046.7(SETX):c.4610G>A (p.Ser1537Asn)

Gene: SETX (senataxin; minus strand). Cytogenetic location: 9q34.13.
Variant type: single nucleotide variant.
Coding change: c.4610G>A on transcript NM_015046.7 (MANE Select); coding-DNA position 4610, G replaced by A.
Protein change: p.Ser1537Asn; replaces serine 1537 with asparagine.
Molecular consequence: missense variant.
Genome position (GRCh38, 1-based): chr9:132,326,988, C>T on the plus strand (G>A on the coding strand, the complement: SETX is on the minus strand). VCF-style: chr9-132326988-C-T. GRCh37 (hg19) VCF-style: chr9-135202375-C-T.
Other names: c.4610G>A, p.Ser1537Asn (NM_001351527.2, NM_001351528.2); short protein forms S1537N.
Identifiers: ClinVar variation 1741891 (VCV001741891.2), dbSNP rs777573332, ClinGen allele CA5297168.

ClinVar aggregate classification (germline): Uncertain significance (1 of 4 stars; one submission).

Conditions:
Inborn genetic diseases. Identifiers: MedGen C0950123, MeSH D030342.

Allele frequency attached by ClinVar (database versions not stated): TOPMed below 0.00001; ExAC 0.00001; gnomAD 0.00001; gnomAD exomes 0.00002.
gnomAD v4.1: 27 of 1,614,118 alleles (0.0017%); highest among the groups gnomAD compares: Non-Finnish European, 0.0022%; no homozygotes.

Submission:

Ambry Genetics
Classification: Uncertain significance for Inborn genetic diseases. Last evaluated: 2020-04-03. Review status: criteria provided, single submitter. Criteria: Ambry Variant Classification Scheme 2023. Collection method: clinical testing. Allele origin: germline.
Comment: The p.S1537N variant (also known as c.4610G>A), located in coding exon 8 of the SETX gene, results from a G to A substitution at nucleotide position 4610. The serine at codon 1537 is replaced by asparagine, an amino acid with highly similar properties. This amino acid position is not well conserved in available vertebrate species. In addition, this alteration is predicted to be tolerated by in silico analysis. Since supporting evidence is limited at this time, the clinical significance of this alteration remains unclear.